The following is an entry in ClinVar:

ClinVar aggregate classification (germline): Benign/Likely benign. Review status: criteria provided, single submitter (1 of 4 stars). 4 submissions from 1 submitter: Benign (3); Likely benign (1). Last evaluated 2018-01-12.

Conditions:
Age related macular degeneration 4. Identifiers: MedGen C1853147, MONDO:0012540, OMIM 610698.
Hemolytic uremic syndrome, atypical, susceptibility to, 1. Also called: AHUS, SUSCEPTIBILITY TO, 1. Identifiers: Orphanet 2134, Orphanet 90038, MedGen C2749604, MONDO:0009335, OMIM 235400. Disease mechanism: Other.
CFH-Related Dense Deposit Disease / Membranoproliferative Glomerulonephritis Type II. Identifiers: MedGen CN071292.
Basal laminar drusen. Also called: DRUSEN OF BRUCH MEMBRANE; DRUSEN, CUTICULAR; DRUSEN, EARLY ADULT-ONSET, GROUPED. Identifiers: Orphanet 75376, MedGen C0730295, MONDO:0007472, OMIM 126700.

Allele frequency attached by ClinVar (database versions not stated): gnomAD exomes 0.00096 and 0.00034; ExAC 0.00115; 1000 Genomes Project 30x 0.00297; 1000 Genomes Project 0.00319; gnomAD 0.00386 and 0.00418; TOPMed 0.00414; ESP Exome Variant Server 0.00484.
gnomAD v4.1: 1,051 of 1,450,416 alleles (0.072%); highest among the groups gnomAD compares: African/African-American, 1.3%; 5 homozygotes.

Submissions (4):

Illumina Laboratory Services, Illumina
Classification: Likely benign for Basal laminar drusen. Last evaluated: 2018-01-12. Review status: criteria provided, single submitter. Criteria: ICSL Variant Classification Criteria 13 December 2019. Collection method: clinical testing. Allele origin: germline.
Comment: This variant was observed in the ICSL laboratory as part of a predisposition screen in an ostensibly healthy population. It had not been previously curated by ICSL or reported in the Human Gene Mutation Database (HGMD: prior to June 1st, 2018), and was therefore a candidate for classification through an automated scoring system. Utilizing variant allele frequency, disease prevalence and penetrance estimates, and inheritance mode, an automated score was calculated to assess if this variant is too frequent to cause the disease. Based on the score and internal cut-off values, a variant classified as likely benign is not then subjected to further curation. The score for this variant resulted in a classification of likely benign for this disease.

Illumina Laboratory Services, Illumina
Classification: Benign for Membranoproliferative glomerulonephritis with complement factor h deficiency. Last evaluated: 2018-01-12. Review status: criteria provided, single submitter. Criteria: ICSL Variant Classification Criteria 13 December 2019. Collection method: clinical testing. Allele origin: germline.
Comment: This variant was observed in the ICSL laboratory as part of a predisposition screen in an ostensibly healthy population. It had not been previously curated by ICSL or reported in the Human Gene Mutation Database (HGMD: prior to June 1st, 2018), and was therefore a candidate for classification through an automated scoring system. Utilizing variant allele frequency, disease prevalence and penetrance estimates, and inheritance mode, an automated score was calculated to assess if this variant is too frequent to cause the disease. Based on the score and internal cut-off values, a variant classified as benign is not then subjected to further curation. The score for this variant resulted in a classification of benign for this disease.

Illumina Laboratory Services, Illumina
Classification: Benign for Hemolytic uremic syndrome, atypical, susceptibility to, 1. Last evaluated: 2018-01-12. Review status: criteria provided, single submitter. Criteria: ICSL Variant Classification Criteria 13 December 2019. Collection method: clinical testing. Allele origin: germline.
Comment: the same text as in the submission from Illumina Laboratory Services, Illumina above.

Illumina Laboratory Services, Illumina
Classification: Benign for Age related macular degeneration 4. Last evaluated: 2018-01-12. Review status: criteria provided, single submitter. Criteria: ICSL Variant Classification Criteria 13 December 2019. Collection method: clinical testing. Allele origin: germline.
Comment: the same text as in the submission from Illumina Laboratory Services, Illumina above.

NM_000186.4(CFH):c.-36G>C

Gene: CFH (complement factor H; plus strand). Cytogenetic location: 1q31.3.
Variant type: single nucleotide variant.
Coding change: c.-36G>C on transcript NM_000186.4 (MANE Select); 36 bases upstream of the start codon, G replaced by C.
Molecular consequence: 5 prime UTR variant.
Genome position (GRCh38, 1-based): chr1:196,652,082, G>C. VCF-style: chr1-196652082-G-C. GRCh37 (hg19) VCF-style: chr1-196621212-G-C.
Other names: c.-36G>C (NM_001014975.3).
Identifiers: ClinVar variation 294478 (VCV000294478.5), dbSNP rs140356702, ClinGen allele CA1304894.
Genomic context (GRCh38, chr1:196,652,082, plus strand): 5'-AAGTTCTTTCCTGCACTAATCACAATTCTTGGAAGAGGAGAACTGGACGTTGTGAACAGA[G>C]TTAGCTGGTAAATGTCCTCTTAAAAGATCCAAAAAATGAGACTTCTAGCAAAGATTATTT-3'